The following is an entry in ClinVar:

ClinVar aggregate classification (germline): Uncertain significance (1 of 4 stars; one submission).

Conditions:
Wilson disease (WND). Also called: Wilson's disease. Identifiers: Orphanet 905, MedGen C0019202, MONDO:0010200, OMIM 277900. Disease mechanism: loss of function.

Submission:

Labcorp Genetics (formerly Invitae), Labcorp
Classification: Uncertain significance for Wilson disease. Last evaluated: 2020-08-30. Review status: criteria provided, single submitter. Criteria: Invitae Variant Classification Sherloc (09022015). Collection method: clinical testing. Allele origin: germline.
Comment: This variant is not present in population databases (ExAC no frequency). This sequence change replaces leucine with proline at codon 1244 of the ATP7B protein (p.Leu1244Pro). The leucine residue is highly conserved and there is a moderate physicochemical difference between leucine and proline. This variant has not been reported in the literature in individuals with ATP7B-related conditions. In summary, the available evidence is currently insufficient to determine the role of this variant in disease. Therefore, it has been classified as a Variant of Uncertain Significance. Advanced modeling of protein sequence and biophysical properties (such as structural, functional, and spatial information, amino acid conservation, physicochemical variation, residue mobility, and thermodynamic stability) performed at Invitae indicates that this missense variant is expected to disrupt ATP7B protein function.

NM_000053.4(ATP7B):c.3731T>C (p.Leu1244Pro)

Gene: ATP7B (ATPase copper transporting beta; minus strand). Cytogenetic location: 13q14.3.
Variant type: single nucleotide variant.
Coding change: c.3731T>C on transcript NM_000053.4 (MANE Select); coding-DNA position 3731, T replaced by C.
Protein change: p.Leu1244Pro; replaces leucine 1244 with proline.
Molecular consequence: missense variant.
Genome position (GRCh38, 1-based): chr13:51,937,648, A>G on the plus strand (T>C on the coding strand, the complement: ATP7B is on the minus strand). VCF-style: chr13-51937648-A-G. GRCh37 (hg19) VCF-style: chr13-52511784-A-G.
Other names: c.3110T>C, p.Leu1037Pro (NM_001005918.3); c.3398T>C, p.Leu1133Pro (NM_001243182.2); c.3497T>C, p.Leu1166Pro (NM_001330578.2); c.3479T>C, p.Leu1160Pro (NM_001330579.2); short protein forms L1037P, L1133P, L1160P, L1166P, L1244P.
Identifiers: ClinVar variation 1059408 (VCV001059408.9), dbSNP rs2138587892, ClinGen allele CA388022442.
Genomic context (GRCh38, chr13:51,937,648, plus strand): 5'-ATGGCGACTTTCTTCCCTTTATTCTGGAGCTCCTGGACCTTGGCCACCTTGTGCGAAGGC[A>G]GCACCTCTGCAAAGACTTTGTTGATGCCAACCTAAGACAAAAGGAAGGCAATGCCTAGTG-3'
Protein context (NP_000044.2, residues 1234-1254): VGINKVFAEV[Leu1244Pro]PSHKVAKVQE